The following is an entry in ClinVar:

ClinVar aggregate classification (germline): Uncertain significance (1 of 4 stars; one submission).

Submission:

Labcorp Genetics (formerly Invitae), Labcorp
Classification: Uncertain significance. Last evaluated: 2023-08-17. Review status: criteria provided, single submitter. Criteria: Invitae Variant Classification Sherloc (09022015). Collection method: clinical testing. Allele origin: germline.
Comment: This sequence change replaces serine, which is neutral and polar, with alanine, which is neutral and non-polar, at codon 553 of the MBTPS1 protein (p.Ser553Ala). This variant is not present in population databases (gnomAD no frequency). This variant has not been reported in the literature in individuals affected with MBTPS1-related conditions. ClinVar contains an entry for this variant (Variation ID: 2025598). An algorithm developed to predict the effect of missense changes on protein structure and function (PolyPhen-2) suggests that this variant is likely to be tolerated. In summary, the available evidence is currently insufficient to determine the role of this variant in disease. Therefore, it has been classified as a Variant of Uncertain Significance.

NM_003791.4(MBTPS1):c.1657T>G (p.Ser553Ala)

Gene: MBTPS1 (membrane bound transcription factor peptidase, site 1; minus strand). Cytogenetic location: 16q23.3.
Variant type: single nucleotide variant.
Coding change: c.1657T>G on transcript NM_003791.4 (MANE Select); coding-DNA position 1657, T replaced by G.
Protein change: p.Ser553Ala; replaces serine 553 with alanine.
Molecular consequence: missense variant.
Genome position (GRCh38, 1-based): chr16:84,070,713, A>C on the plus strand (T>G on the coding strand, the complement: MBTPS1 is on the minus strand). VCF-style: chr16-84070713-A-C. GRCh37 (hg19) VCF-style: chr16-84104318-A-C.
Other names: short protein forms S553A.
Identifiers: ClinVar variation 2025598 (VCV002025598.4), dbSNP rs2507755728, ClinGen allele CA396930671.